The following is an entry in ClinVar:

ClinVar aggregate classification (germline): Conflicting classifications of pathogenicity. Review status: criteria provided, conflicting classifications (1 of 4 stars). 4 submissions from 4 submitters: Uncertain significance (3); Benign (1). Last evaluated 2023-10-15.

Conditions:
Cerebrooculofacioskeletal syndrome 2 (COFS2). Identifiers: MedGen C1853102, MONDO:0012553, OMIM 610756.
Inborn genetic diseases. Identifiers: MedGen C0950123, MeSH D030342.
Ovarian cancer. Also called: OVARIAN CANCER, SOMATIC. Identifiers: Orphanet 213500, MedGen C1140680, MONDO:0008170, OMIM 167000.

Submissions (4):

Ambry Genetics
Classification: Uncertain significance for Inborn genetic diseases. Last evaluated: 2023-10-15. Review status: criteria provided, single submitter. Criteria: Ambry Variant Classification Scheme 2023. Collection method: clinical testing. Allele origin: germline.
Comment: The p.A226S variant (also known as c.676G>T), located in coding exon 8 of the ERCC2 gene, results from a G to T substitution at nucleotide position 676. The alanine at codon 226 is replaced by serine, an amino acid with similar properties. This amino acid position is conserved. In addition, this alteration is predicted to be tolerated by in silico analysis. Since supporting evidence is limited at this time, the clinical significance of this alteration remains unclear.

Labcorp Genetics (formerly Invitae), Labcorp
Classification: Uncertain significance. Last evaluated: 2022-08-13. Review status: criteria provided, single submitter. Criteria: Invitae Variant Classification Sherloc (09022015). Collection method: clinical testing. Allele origin: germline.
Comment: This sequence change replaces alanine, which is neutral and non-polar, with serine, which is neutral and polar, at codon 226 of the ERCC2 protein (p.Ala226Ser). This variant is not present in population databases (gnomAD no frequency). This variant has not been reported in the literature in individuals affected with ERCC2-related conditions. ClinVar contains an entry for this variant (Variation ID: 1320050). Algorithms developed to predict the effect of missense changes on protein structure and function (SIFT, PolyPhen-2, Align-GVGD) all suggest that this variant is likely to be tolerated. In summary, the available evidence is currently insufficient to determine the role of this variant in disease. Therefore, it has been classified as a Variant of Uncertain Significance.

Laboratory of Molecular Epidemiology of Birth Defects, West China Second University Hospital, Sichuan University
Classification: Benign for Ovarian cancer. Last evaluated: 2022-01-01. Review status: criteria provided, single submitter. Criteria: ACMG Guidelines, 2015. Collection method: clinical testing. Allele origin: germline. Affected: yes.

3billion
Classification: Uncertain significance for Cerebrooculofacioskeletal syndrome 2. Last evaluated: 2021-10-02. Review status: criteria provided, single submitter. Criteria: ACMG Guidelines, 2015. Collection method: clinical testing. Allele origin: unknown. Affected: yes. Observed: 1 heterozygote.
Comment: It is not observed in the gnomAD v2.1.1 dataset (PM2). Missense changes are a common disease-causing mechanism (PP2). In silico tool predictions suggest no damaging effect of the variant on gene or gene product (REVEL: 0.222; 3Cnet: 0.012, BP4). Therefore, this variant is classified as uncertain significance according to the recommendation of ACMG/AMP guideline.

NM_000400.4(ERCC2):c.676G>T (p.Ala226Ser)

Gene: ERCC2 (ERCC excision repair 2, TFIIH core complex helicase subunit; minus strand). Cytogenetic location: 19q13.32.
Variant type: single nucleotide variant.
Coding change: c.676G>T on transcript NM_000400.4 (MANE Select); coding-DNA position 676, G replaced by T.
Protein change: p.Ala226Ser; replaces alanine 226 with serine.
Molecular consequence: missense variant.
Genome position (GRCh38, 1-based): chr19:45,364,466, C>A on the plus strand (G>T on the coding strand, the complement: ERCC2 is on the minus strand). VCF-style: chr19-45364466-C-A. GRCh37 (hg19) VCF-style: chr19-45867724-C-A.
Other names: c.604G>T, p.Ala202Ser (NM_001130867.2); short protein forms A202S, A226S.
Identifiers: ClinVar variation 1320050 (VCV001320050.8), dbSNP rs753696173, ClinGen allele CA406374353.